The following is an entry in ClinVar:

ClinVar aggregate classification (germline): Uncertain significance (1 of 4 stars; one submission).

Conditions:
Neuronal ceroid lipofuscinosis 7 (CLN7). Also called: MFSD8-Related Neuronal Ceroid-Lipofuscinosis. Identifiers: Orphanet 168491, Orphanet 228366, MedGen C1838571, MONDO:0012588, OMIM 610951.

gnomAD v4.1: 3 of 1,612,080 alleles (0.00019%); highest among the groups gnomAD compares: Non-Finnish European, 0.00025%; no homozygotes.

Submission:

Labcorp Genetics (formerly Invitae), Labcorp
Classification: Uncertain significance for Neuronal ceroid lipofuscinosis 7. Last evaluated: 2016-08-02. Review status: criteria provided, single submitter. Criteria: Invitae Variant Classification Sherloc (09022015). Collection method: clinical testing. Allele origin: germline.
Comment: This sequence change affects codon 65 of the MFSD8 mRNA. It is a 'silent' change, meaning that it does not change the encoded amino acid sequence of the MFSD8 protein. This variant is not present in population databases (ExAC no frequency) and has not been reported in the literature in individuals with a MFSD8-related disease. Algorithms developed to predict the effect of sequence changes on mRNA splicing suggest that this variant may alter mRNA splicing, but this prediction has not been confirmed by published transcriptional studies. In summary, this is a novel intronic change with uncertain impact on splicing. It has been classified as a Variant of Uncertain Significance.

NM_001371596.2(MFSD8):c.195A>G (p.Gln65=)

Gene: MFSD8 (major facilitator superfamily domain containing 8; minus strand). Cytogenetic location: 4q28.2.
Variant type: single nucleotide variant.
Coding change: c.195A>G on transcript NM_001371596.2 (MANE Select); coding-DNA position 195, A replaced by G.
Protein change: p.Gln65=; no amino-acid change (glutamine 65 retained).
Molecular consequence: synonymous variant.
Genome position (GRCh38, 1-based): chr4:127,949,807, T>C on the plus strand (A>G on the coding strand, the complement: MFSD8 is on the minus strand). VCF-style: chr4-127949807-T-C. GRCh37 (hg19) VCF-style: chr4-128870962-T-C.
Other names: c.195A>G, p.Gln65= (NM_001363520.3, NM_001363521.3, NM_001371591.2 and 5 more transcripts); c.60A>G, p.Gln20= (NM_001371590.2, NM_001371595.1, NM_001410765.1).
Identifiers: ClinVar variation 1056958 (VCV001056958.6), dbSNP rs2148943646, ClinGen allele CA441219126.